The following is an entry in ClinVar:

ClinVar aggregate classification (germline): Uncertain significance (1 of 4 stars; one submission).

Allele frequency attached by ClinVar (database versions not stated): gnomAD 0.00001; gnomAD exomes below 0.00001; ExAC 0.00001.

Submission:

Labcorp Genetics (formerly Invitae), Labcorp
Classification: Uncertain significance. Last evaluated: 2022-06-30. Review status: criteria provided, single submitter. Criteria: Invitae Variant Classification Sherloc (09022015). Collection method: clinical testing. Allele origin: germline.
Comment: In summary, the available evidence is currently insufficient to determine the role of this variant in disease. Therefore, it has been classified as a Variant of Uncertain Significance. Algorithms developed to predict the effect of missense changes on protein structure and function are either unavailable or do not agree on the potential impact of this missense change (SIFT: "Deleterious"; PolyPhen-2: "Benign"; Align-GVGD: "Class C0"). This variant has not been reported in the literature in individuals affected with VPS13C-related conditions. This variant is present in population databases (rs748843314, gnomAD 0.0009%). This sequence change replaces glutamic acid, which is acidic and polar, with glycine, which is neutral and non-polar, at codon 902 of the VPS13C protein (p.Glu902Gly).

NM_020821.3(VPS13C):c.2705A>G (p.Glu902Gly)

Gene: VPS13C (vacuolar protein sorting 13 homolog C; minus strand). Cytogenetic location: 15q22.2.
Variant type: single nucleotide variant.
Coding change: c.2705A>G on transcript NM_020821.3 (MANE Select); coding-DNA position 2705, A replaced by G.
Protein change: p.Glu902Gly; replaces glutamic acid 902 with glycine.
Molecular consequence: missense variant.
Genome position (GRCh38, 1-based): chr15:61,972,677, T>C on the plus strand (A>G on the coding strand, the complement: VPS13C is on the minus strand). VCF-style: chr15-61972677-T-C. GRCh37 (hg19) VCF-style: chr15-62264876-T-C.
Other names: c.2705A>G, p.Glu902Gly (NM_001018088.3); c.2576A>G, p.Glu859Gly (NM_017684.5, NM_018080.4); short protein forms E859G, E902G.
Identifiers: ClinVar variation 2087157 (VCV002087157.4), dbSNP rs748843314, ClinGen allele CA7596626.